The following is an entry in ClinVar:

ClinVar aggregate classification (germline): Likely pathogenic (1 of 4 stars; one submission).

Conditions:
Biotinidase deficiency. Also called: BTD deficiency; Late-onset biotin-responsive multiple carboxylase deficiency; Biotin deficiency. Identifiers: Orphanet 79241, MedGen C0220754, MONDO:0009665, OMIM 253260.

Submission:

Natera, Inc.
Classification: Likely pathogenic for Biotinidase deficiency. Last evaluated: 2025-03-10. Review status: criteria provided, single submitter. Criteria: Natera Variant Classification Schema (03/2026). Collection method: clinical testing. Allele origin: germline.
Comment: The c.1314T>A variant in BTD is a nonsense variant predicted to introduce a stop codon at amino acid 438. This variant is expected to result in nonsense mediated decay, truncation, or a dysfunctional protein product. This variant is rare in the general population with a frequency below the threshold expected for the associated phenotype(s). This variant has been observed in one or more individuals affected with the associated recessive disease, as either homozygous or compound heterozygous with a second variant (PMID: 30912303, 15060693). Given the available evidence, this variant is classified as Likely Pathogenic.

Literature cited by the submitters: PubMed 30912303; PubMed 15060693.

NM_000060.4:c.1314T>A

Variant type: single nucleotide variant.
Other names: c.1314T>A (NM_000060.4).
Identifiers: ClinVar variation 4815953 (VCV004815953.1).